The following is an entry in ClinVar:

ClinVar aggregate classification (germline): Uncertain significance. Review status: criteria provided, multiple submitters, no conflicts (2 of 4 stars). 2 submissions from 2 submitters: Uncertain significance (2). Last evaluated 2025-10-29.

Conditions:
LEOPARD syndrome 3 (LPRD3). Identifiers: Orphanet 500, MedGen C3150971, MONDO:0013380, OMIM 613707.
Noonan syndrome 7 (NS7). Also called: BRAF-Related Noonan Syndrome. Identifiers: Orphanet 648, MedGen C3150970, MONDO:0013379, OMIM 613706.
Colorectal cancer. Also called: Malignant Colorectal Neoplasm; Colorectal cancer, somatic. Identifiers: MedGen C0346629, MONDO:0005575, OMIM 114500.
Cardiofaciocutaneous syndrome 1 (CFC1). Also called: BRAF-Related Cardiofaciocutaneous Syndrome; MAP2K1-Related Cardiofaciocutaneous Syndrome; KRAS-Related Cardiofaciocutaneous Syndrome; MAP2K2-Related Cardiofaciocutaneous Syndrome. Identifiers: Orphanet 1340, MedGen CN029449, MONDO:0007265, OMIM 115150. Disease mechanism: gain of function.
Melanoma, cutaneous malignant, susceptibility to, 1 (CMM1). Also called: MELANOMA, MALIGNANT; DYSPLASTIC NEVUS SYNDROME, HEREDITARY; B-K MOLE SYNDROME; FAMILIAL ATYPICAL MOLE-MALIGNANT MELANOMA SYNDROME. Identifiers: Orphanet 618, MedGen C1835047, MONDO:0007963, OMIM 155600.
Lung cancer. Also called: Lung cancer, somatic; Malignant tumor of lung. Identifiers: MedGen C0242379, MONDO:0008903, OMIM 211980.
RASopathy. Also called: rasopathies; Noonan spectrum disorder. Identifiers: Orphanet 536391, MedGen C5555857, MONDO:0021060.

Allele frequency attached by ClinVar (database versions not stated): gnomAD exomes below 0.00001; gnomAD 0.00001; TOPMed 0.00006.
gnomAD v4.1: 3 of 1,613,784 alleles (0.00019%); highest among the groups gnomAD compares: Admixed American, 0.0017%; no homozygotes.

Submissions (2):

Labcorp Genetics (formerly Invitae), Labcorp
Classification: Uncertain significance for RASopathy. Last evaluated: 2025-10-29. Review status: criteria provided, single submitter. Criteria: Invitae Variant Classification Sherloc (09022015). Collection method: clinical testing. Allele origin: germline.
Comment: This sequence change falls in intron 9 of the BRAF gene. It does not directly change the encoded amino acid sequence of the BRAF protein. It affects a nucleotide within the consensus splice site. This variant is present in population databases (no rsID available, gnomAD 0.003%). This variant has not been reported in the literature in individuals affected with BRAF-related conditions. ClinVar contains an entry for this variant (Variation ID: 2144719). Variants that disrupt the consensus splice site are a relatively common cause of aberrant splicing (PMID: 17576681, 9536098). Algorithms developed to predict the effect of sequence changes on RNA splicing suggest that this variant is not likely to affect RNA splicing. In summary, the available evidence is currently insufficient to determine the role of this variant in disease. Therefore, it has been classified as a Variant of Uncertain Significance.

Fulgent Genetics
Classification: Uncertain significance for Colorectal cancer; Cardiofaciocutaneous syndrome 1; Melanoma, cutaneous malignant, susceptibility to, 1; Lung cancer; Noonan syndrome 7; LEOPARD syndrome 3. Last evaluated: 2024-04-15. Review status: criteria provided, single submitter. Criteria: ACMG Guidelines, 2015. Collection method: clinical testing. Allele origin: germline.

Literature cited by the submitters: PubMed 17576681 (cited by Labcorp Genetics (formerly Invitae), Labcorp); PubMed 9536098 (cited by Labcorp Genetics (formerly Invitae), Labcorp).

NM_004333.6(BRAF):c.1178-3T>C

Gene: BRAF (B-Raf proto-oncogene, serine/threonine kinase; minus strand). Cytogenetic location: 7q34.
Variant type: single nucleotide variant.
Coding change: c.1178-3T>C on transcript NM_004333.6 (MANE Select); 3 bases into the intron before coding-DNA position 1178, T replaced by C.
Molecular consequence: intron variant.
Genome position (GRCh38, 1-based): chr7:140,783,160, A>G on the plus strand (T>C on the coding strand, the complement: BRAF is on the minus strand). VCF-style: chr7-140783160-A-G. GRCh37 (hg19) VCF-style: chr7-140482960-A-G.
Other names: c.1178-3T>C (NM_001378474.1, NM_001378468.1, NM_001354609.2); c.1076-3T>C (NM_001378470.1); c.914-3T>C (NM_001378475.1); c.1141-77T>C (NM_001378471.1); c.1298-3T>C (NM_001374258.1, NM_001374244.1); c.1187-3T>C (NM_001378467.1); c.1022-3T>C (NM_001378472.1, NM_001378473.1); c.1178-69T>C (NM_001378469.1).
Identifiers: ClinVar variation 2144719 (VCV002144719.5), dbSNP rs1407644052, ClinGen allele CA578390242.